The following is an entry in ClinVar:

NM_001005373.4(LRSAM1):c.643C>G (p.Pro215Ala)

Gene: LRSAM1 (leucine rich repeat and sterile alpha motif containing 1; plus strand). Cytogenetic location: 9q33.3.
Variant type: single nucleotide variant.
Coding change: c.643C>G on transcript NM_001005373.4 (MANE Select); coding-DNA position 643, C replaced by G.
Protein change: p.Pro215Ala; replaces proline 215 with alanine.
Molecular consequence: missense variant. On other transcripts: 5 prime UTR variant (1), non-coding transcript variant (2).
Genome position (GRCh38, 1-based): chr9:127,473,824, C>G. VCF-style: chr9-127473824-C-G. GRCh37 (hg19) VCF-style: chr9-130236103-C-G.
Other names: c.643C>G, p.Pro215Ala (NM_001005374.4, NM_001190723.3, NM_001384142.1 and 2 more transcripts); c.-142C>G (NM_001384144.1); short protein forms P215A.
Identifiers: ClinVar variation 1363982 (VCV001363982.9), dbSNP rs765389102, ClinGen allele CA5246643.

ClinVar aggregate classification (germline): Uncertain significance. Review status: criteria provided, multiple submitters, no conflicts (2 of 4 stars). 3 submissions from 3 submitters: Uncertain significance (3). Last evaluated 2026-07-01.

Conditions:
Inborn genetic diseases. Identifiers: MedGen C0950123, MeSH D030342.
Charcot-Marie-Tooth disease axonal type 2P. Also called: Charcot-Marie-Tooth Neuropathy Type 2G; CHARCOT-MARIE-TOOTH NEUROPATHY, TYPE 2P; CHARCOT-MARIE-TOOTH DISEASE, AXONAL, TYPE 2G; CMT 2G. Identifiers: Orphanet 300319, Orphanet 99941, MedGen C3280797, MONDO:0013753, OMIM 614436.

gnomAD v4.1: 52 of 1,614,124 alleles (0.0032%); highest among the groups gnomAD compares: East Asian, 0.018%; no homozygotes.

Submissions (3):

CeGaT Center for Human Genetics Tuebingen
Classification: Uncertain significance. Last evaluated: 2026-07-01. Review status: criteria provided, single submitter. Criteria: CeGaT Center For Human Genetics Tuebingen Variant Classification Criteria Version 2. Collection method: clinical testing. Allele origin: germline. Affected: yes. Observed: 1 variant allele.
Comment: LRSAM1: PM2, BP4

Labcorp Genetics (formerly Invitae), Labcorp
Classification: Uncertain significance for Charcot-Marie-Tooth disease axonal type 2P. Last evaluated: 2024-08-07. Review status: criteria provided, single submitter. Criteria: Invitae Variant Classification Sherloc (09022015). Collection method: clinical testing. Allele origin: germline.
Comment: This sequence change replaces proline, which is neutral and non-polar, with alanine, which is neutral and non-polar, at codon 215 of the LRSAM1 protein (p.Pro215Ala). This variant is present in population databases (rs765389102, gnomAD 0.06%). This missense change has been observed in individual(s) with Charcot-Marie-Tooth disease (PMID: 27462242). ClinVar contains an entry for this variant (Variation ID: 1363982). Advanced modeling of protein sequence and biophysical properties (such as structural, functional, and spatial information, amino acid conservation, physicochemical variation, residue mobility, and thermodynamic stability) performed at Invitae indicates that this missense variant is expected to disrupt LRSAM1 protein function with a positive predictive value of 80%. In summary, the available evidence is currently insufficient to determine the role of this variant in disease. Therefore, it has been classified as a Variant of Uncertain Significance.

Ambry Genetics
Classification: Uncertain significance for Inborn genetic diseases. Last evaluated: 2021-08-25. Review status: criteria provided, single submitter. Criteria: Ambry Variant Classification Scheme 2023. Collection method: clinical testing. Allele origin: germline.
Comment: The p.P215A variant (also known as c.643C>G), located in coding exon 9 of the LRSAM1 gene, results from a C to G substitution at nucleotide position 643. The proline at codon 215 is replaced by alanine, an amino acid with highly similar properties. This variant was detected in two affected individuals and two unaffected individuals in a family with Charcot-Marie-Tooth disease type 2B (CMT2B); additionally, all affected members of the family were heterozygous for a missense variant in RAB7A, a gene associated with CMT2B (Peddareddygari LR et al. Case Rep Neurol Jun;8:120-6). This amino acid position is highly conserved in available vertebrate species. In addition, this alteration is predicted to be tolerated by in silico analysis. Based on the supporting evidence, this variant is unlikely to be causative of autosomal dominant Charcot-Marie-Tooth disease, type 2P (CMT2P); however, its contribution to the development of autosomal recessive CMT2P is uncertain.

Literature cited by the submitters: PubMed 27462242 (cited by Labcorp Genetics (formerly Invitae), Labcorp and Ambry Genetics).